The following is an entry in ClinVar:

NM_031935.3(HMCN1):c.16034A>G (p.Gln5345Arg)

Gene: HMCN1 (hemicentin 1; plus strand). Cytogenetic location: 1q31.1.
Variant type: single nucleotide variant.
Coding change: c.16034A>G on transcript NM_031935.3 (MANE Select); coding-DNA position 16034, A replaced by G.
Protein change: p.Gln5345Arg; replaces glutamine 5345 with arginine.
Molecular consequence: missense variant.
Genome position (GRCh38, 1-based): chr1:186,178,506, A>G. VCF-style: chr1-186178506-A-G. GRCh37 (hg19) VCF-style: chr1-186147638-A-G.
Other names: short protein forms Q5345R.
Identifiers: ClinVar variation 2205 (VCV000002205.12), dbSNP rs121434382, ClinGen allele CA115410.
Genomic context (GRCh38, chr1:186,178,506, plus strand): 5'-CTTGTGCACATCAGTGCTCCAACACCCCCGGCAGCTTCAAGTGTATCTGTCCACCAGGAC[A>G]ACATTTATTAGGGGACGGGAAATCTTGCGCTGGATTGGAGAGGCTGCCAAATTATGGCAC-3'
Protein context (NP_114141.2, residues 5335-5355): GSFKCICPPG[Gln5345Arg]HLLGDGKSCA

ClinVar aggregate classification (germline): Conflicting classifications of pathogenicity. Review status: criteria provided, conflicting classifications (1 of 4 stars). 4 submissions from 4 submitters: Uncertain significance (2); Likely benign (1). 1 of the submissions does not count toward it. Last evaluated 2025-12-23.

Conditions:
HMCN1-related disorder. Also called: HMCN1-related condition.
Age related macular degeneration 1 (ARMD1). Also called: MACULOPATHY, AGE-RELATED, 1. Identifiers: MedGen C1864205, MONDO:0011285, OMIM 603075.
MACULAR DEGENERATION, AGE-RELATED, 1, SUSCEPTIBILITY TO.

Allele frequency attached by ClinVar (database versions not stated): 1000 Genomes Project 30x 0.00016; 1000 Genomes Project 0.00020; gnomAD 0.00070; gnomAD exomes 0.00073 and 0.00109; TOPMed 0.00074; ExAC 0.00085.
gnomAD v4.1: 1,669 of 1,614,054 alleles (0.1%); highest among the groups gnomAD compares: Non-Finnish European, 0.13%; 3 homozygotes.

Submissions (4):

PreventionGenetics, part of Exact Sciences
Classification: Uncertain significance for HMCN1-related condition. Last evaluated: 2025-12-23. Review status: criteria provided, single submitter. Criteria: ACMG Guidelines, 2015. Collection method: clinical testing. Allele origin: germline.
Comment: The HMCN1 c.16034A>G variant is predicted to result in the amino acid substitution p.Gln5345Arg. This variant has been reported to segregate with disease in a large family pedigree with age-related macular degeneration (Schultz et al. 2003. PubMed ID: 14570714). However, a large case-control study of age-related macular degeneration found this variant was present in 5 AMD cases and 6 controls (denoted as c.16037A.G p.Gln5346Arg in Fisher et al. 2007. PubMed ID: 17216616). This variant is reported in 0.13% of alleles in individuals of European (Non-Finnish) descent in gnomAD. At this time, the clinical significance of this variant is uncertain due to the absence of conclusive functional and genetic evidence.

Labcorp Genetics (formerly Invitae), Labcorp
Classification: Likely benign. Last evaluated: 2025-12-17. Review status: criteria provided, single submitter. Criteria: Invitae Variant Classification Sherloc (09022015). Collection method: clinical testing. Allele origin: germline.

Illumina Laboratory Services, Illumina
Classification: Uncertain significance for Age related macular degeneration 1. Last evaluated: 2017-04-27. Review status: criteria provided, single submitter. Criteria: ICSL Variant Classification Criteria 13 December 2019. Collection method: clinical testing. Allele origin: germline.
Comment: This variant was observed as part of a predisposition screen in an ostensibly healthy population. A literature search was performed for the gene, cDNA change, and amino acid change (where applicable). Publications were found based on this search. However, the evidence from the literature, in combination with allele frequency data from public databases where available, was not sufficient to rule this variant in or out of causing disease. Therefore, this variant is classified as a variant of unknown significance.

OMIM
Classification: risk factor for MACULAR DEGENERATION, AGE-RELATED, 1, SUSCEPTIBILITY TO. Last evaluated: 2007-04-01. Review status: no assertion criteria provided. Collection method: literature only. Allele origin: germline. Not counted in ClinVar's aggregate classification.

Literature cited by the submitters: PubMed 14570714 (cited by Illumina Laboratory Services, Illumina and OMIM); PubMed 9715689 (cited by OMIM); PubMed 17216616 (cited by OMIM).